The following is an entry in ClinVar:

NM_144701.3(IL23R):c.505G>A (p.Glu169Lys)

Gene: IL23R (interleukin 23 receptor; plus strand). Cytogenetic location: 1p31.3.
Variant type: single nucleotide variant.
Coding change: c.505G>A on transcript NM_144701.3 (MANE Select); coding-DNA position 505, G replaced by A.
Protein change: p.Glu169Lys; replaces glutamic acid 169 with lysine.
Molecular consequence: missense variant.
Genome position (GRCh38, 1-based): chr1:67,200,750, G>A. VCF-style: chr1-67200750-G-A. GRCh37 (hg19) VCF-style: chr1-67666433-G-A.
Other names: c.505G>A (NM_144701.2); short protein forms E169K.
Identifiers: ClinVar variation 1935427 (VCV001935427.6), dbSNP rs769559634, ClinGen allele CA899748.

ClinVar aggregate classification (germline): Uncertain significance. Review status: criteria provided, multiple submitters, no conflicts (2 of 4 stars). 2 submissions from 2 submitters: Uncertain significance (2). Last evaluated 2025-08-12.

Allele frequency attached by ClinVar (database versions not stated): ExAC 0.00001; gnomAD exomes 0.00001.
gnomAD v4.1: 9 of 1,613,294 alleles (0.00056%); highest among the groups gnomAD compares: Middle Eastern, 0.016%; no homozygotes.

Submissions (2):

Labcorp Genetics (formerly Invitae), Labcorp
Classification: Uncertain significance. Last evaluated: 2025-08-12. Review status: criteria provided, single submitter. Criteria: Invitae Variant Classification Sherloc (09022015). Collection method: clinical testing. Allele origin: germline.
Comment: This sequence change replaces glutamic acid, which is acidic and polar, with lysine, which is basic and polar, at codon 169 of the IL23R protein (p.Glu169Lys). This variant is present in population databases (rs769559634, gnomAD 0.003%). This variant has not been reported in the literature in individuals affected with IL23R-related conditions. ClinVar contains an entry for this variant (Variation ID: 1935427). An algorithm developed to predict the effect of missense changes on protein structure and function (PolyPhen-2) suggests that this variant is likely to be tolerated. Algorithms developed to predict the effect of sequence changes on RNA splicing suggest that this variant may disrupt the consensus splice site. In summary, the available evidence is currently insufficient to determine the role of this variant in disease. Therefore, it has been classified as a Variant of Uncertain Significance.

Ambry Genetics
Classification: Uncertain significance. Last evaluated: 2024-02-27. Review status: criteria provided, single submitter. Criteria: Ambry Variant Classification Scheme 2023. Collection method: clinical testing. Allele origin: germline.